The following is an entry in ClinVar:

NM_001563.4(IMPG1):c.754G>A (p.Ala252Thr)

Gene: IMPG1 (interphotoreceptor matrix proteoglycan 1; minus strand). Cytogenetic location: 6q14.1.
Variant type: single nucleotide variant.
Coding change: c.754G>A on transcript NM_001563.4 (MANE Select); coding-DNA position 754, G replaced by A.
Protein change: p.Ala252Thr; replaces alanine 252 with threonine.
Molecular consequence: missense variant.
Genome position (GRCh38, 1-based): chr6:76,018,771, C>T on the plus strand (G>A on the coding strand, the complement: IMPG1 is on the minus strand). VCF-style: chr6-76018771-C-T. GRCh37 (hg19) VCF-style: chr6-76728488-C-T.
Other names: c.520G>A, p.Ala174Thr (NM_001282368.2); c.754G>A (NM_001563.2); short protein forms A174T, A252T.
Identifiers: ClinVar variation 956153 (VCV000956153.11), dbSNP rs201003227, ClinGen allele CA3898349.

ClinVar aggregate classification (germline): Conflicting classifications of pathogenicity. Review status: criteria provided, conflicting classifications (1 of 4 stars). 4 submissions from 4 submitters: Uncertain significance (2); Likely benign (2). Last evaluated 2026-08-21.

Conditions:
IMPG1-related disorder. Also called: IMPG1-related condition.

Allele frequency attached by ClinVar (database versions not stated): gnomAD 0.00015 and 0.00016; gnomAD exomes 0.00018; ExAC 0.00019; 1000 Genomes Project 0.00020; TOPMed 0.00020; ESP Exome Variant Server 0.00023; 1000 Genomes Project 30x 0.00031.
gnomAD v4.1: 242 of 1,613,160 alleles (0.015%); highest among the groups gnomAD compares: Admixed American, 0.017%; 1 homozygote.

Submissions (4):

PreventionGenetics, part of Exact Sciences
Classification: Uncertain significance for IMPG1-related condition. Last evaluated: 2026-08-21. Review status: criteria provided, single submitter. Criteria: ACMG Guidelines, 2015. Collection method: clinical testing. Allele origin: germline.
Comment: The IMPG1 c.754G>A variant is predicted to result in the amino acid substitution p.Ala252Thr. To our knowledge, this variant has not been reported in the literature. This variant is reported in 0.030% of alleles in individuals of European (Non-Finnish) descent in gnomAD. At this time, the clinical significance of this variant is uncertain due to the absence of conclusive functional and genetic evidence.

Labcorp Genetics (formerly Invitae), Labcorp
Classification: Uncertain significance. Last evaluated: 2025-10-16. Review status: criteria provided, single submitter. Criteria: Invitae Variant Classification Sherloc (09022015). Collection method: clinical testing. Allele origin: germline.
Comment: This sequence change replaces alanine, which is neutral and non-polar, with threonine, which is neutral and polar, at codon 252 of the IMPG1 protein (p.Ala252Thr). This variant is present in population databases (rs201003227, gnomAD 0.03%). This variant has not been reported in the literature in individuals affected with IMPG1-related conditions. ClinVar contains an entry for this variant (Variation ID: 956153). An algorithm developed to predict the effect of missense changes on protein structure and function outputs the following: PolyPhen-2: "Benign". The threonine amino acid residue is found in multiple mammalian species, which suggests that this missense change does not adversely affect protein function. In summary, the available evidence is currently insufficient to determine the role of this variant in disease. Therefore, it has been classified as a Variant of Uncertain Significance.

Blueprint Genetics
Classification: Likely benign. Last evaluated: 2024-10-15. Review status: criteria provided, single submitter. Criteria: ACMG Guidelines, 2015. Collection method: clinical testing. Allele origin: germline.

Ambry Genetics
Classification: Likely benign. Last evaluated: 2022-11-18. Review status: criteria provided, single submitter. Criteria: Ambry Variant Classification Scheme 2023. Collection method: clinical testing. Allele origin: germline.